The following is an entry in ClinVar:

ClinVar aggregate classification (germline): Uncertain significance (1 of 4 stars; one submission).

Allele frequency attached by ClinVar (database versions not stated): gnomAD exomes 0.00002; gnomAD 0.00003; TOPMed 0.00003; ExAC 0.00005.

Submission:

Labcorp Genetics (formerly Invitae), Labcorp
Classification: Uncertain significance. Last evaluated: 2022-06-10. Review status: criteria provided, single submitter. Criteria: Invitae Variant Classification Sherloc (09022015). Collection method: clinical testing. Allele origin: germline.
Comment: In summary, the available evidence is currently insufficient to determine the role of this variant in disease. Therefore, it has been classified as a Variant of Uncertain Significance. Algorithms developed to predict the effect of missense changes on protein structure and function are either unavailable or do not agree on the potential impact of this missense change (SIFT: "Deleterious"; PolyPhen-2: "Benign"; Align-GVGD: "Class C0"). This variant has not been reported in the literature in individuals affected with SOX3-related conditions. The frequency data for this variant in the population databases is considered unreliable, as metrics indicate poor data quality at this position in the gnomAD database. This sequence change replaces methionine, which is neutral and non-polar, with threonine, which is neutral and polar, at codon 370 of the SOX3 protein (p.Met370Thr).

NM_005634.3(SOX3):c.1109T>C (p.Met370Thr)

Gene: SOX3 (SRY-box transcription factor 3; minus strand). Cytogenetic location: Xq27.1.
Variant type: single nucleotide variant.
Coding change: c.1109T>C on transcript NM_005634.3 (MANE Select); coding-DNA position 1109, T replaced by C.
Protein change: p.Met370Thr; replaces methionine 370 with threonine.
Molecular consequence: missense variant.
Genome position (GRCh38, 1-based): chrX:140,503,952, A>G on the plus strand (T>C on the coding strand, the complement: SOX3 is on the minus strand). VCF-style: chrX-140503952-A-G. GRCh37 (hg19) VCF-style: chrX-139586117-A-G.
Other names: short protein forms M370T.
Identifiers: ClinVar variation 2142051 (VCV002142051.4), dbSNP rs756686652, ClinGen allele CA10531598.